The following is an entry in ClinVar:

ClinVar aggregate classification (germline): Likely pathogenic (1 of 4 stars; one submission).

Submission:

Labcorp Genetics (formerly Invitae), Labcorp
Classification: Likely pathogenic. Last evaluated: 2019-10-12. Review status: criteria provided, single submitter. Criteria: Invitae Variant Classification Sherloc (09022015). Collection method: clinical testing. Allele origin: germline.
Comment: This sequence change affects a donor splice site in intron 7 of the ACBD5 gene. It is expected to disrupt RNA splicing and likely results in an absent or disrupted protein product. This variant has not been reported in the literature in individuals with ACBD5-related conditions. Donor and acceptor splice site variants typically lead to a loss of protein function (PMID: 16199547), and loss-of-function variants in ACBD5 are known to be pathogenic (PMID: 23105016, 27799409). In summary, the currently available evidence indicates that the variant is pathogenic, but additional data are needed to prove that conclusively. Therefore, this variant has been classified as Likely Pathogenic.

Literature cited by the submitters: PubMed 23105016; PubMed 27799409.

NM_145698.5(ACBD5):c.829+1_829+1074delinsCA

Gene: ACBD5 (acyl-CoA binding domain containing 5; minus strand). Cytogenetic location: 10p12.1.
Variant type: Indel.
Coding change: c.829+1_829+1074delinsCA on transcript NM_145698.5 (MANE Select); the canonical splice donor site of the intron after coding-DNA position 829 through 1074 bases into the intron after coding-DNA position 829, the reference bases replaced by CA.
Molecular consequence: splice donor variant. On other transcripts: intron variant (6).
Genome position (GRCh38, 1-based): chr10:27,216,906-27,217,979, 1,074 bases replaced. GRCh37 (hg19): chr10:27,505,835-27,506,908.
Other names: c.829+1_829+1074delinsCA (NM_001352570.1); c.502+1_502+1074delinsCA (NM_001301253.2, NM_001301251.2, NM_001352583.1 and 2 more transcripts); c.670+1_670+1074delinsCA (NM_001352580.2); c.724+1_724+1074delinsCA (NM_001352577.2, NM_001042473.4, NM_001352578.2 and 1 more transcripts); c.757+1_757+1074delinsCA (NM_001352575.2, NM_001352574.2, NM_001352576.2); c.520+1744_521-1265delinsCA (NM_001352582.2); c.535+1_535+1074delinsCA (NM_001352585.1); c.850+1_850+1074delinsCA (NM_001352572.1); and 10 more.
Identifiers: ClinVar variation 968012 (VCV000968012.1), ClinGen allele CA1139661417.